The following is an entry in ClinVar:

NM_002299.4(LCT):c.2540del (p.Phe847fs)

Gene: LCT (lactase; minus strand). Cytogenetic location: 2q21.3.
Variant type: Deletion.
Coding change: c.2540del on transcript NM_002299.4 (MANE Select); coding-DNA position 2540, one base deleted (T; older notation c.2540delT).
Protein change: p.Phe847fs; shifts the reading frame from phenylalanine 847.
Molecular consequence: frameshift variant.
Genome position (GRCh38, 1-based): chr2:135,809,807, A deleted on the plus strand (T on the coding strand, the reverse complement: LCT is on the minus strand); the first of 3 consecutive A bases (chr2:135,809,807-135,809,809); deleting any one gives the same sequence. VCF-style (leftmost placement, unchanged base first): chr2-135809806-GA-G. GRCh37 (hg19) VCF-style: chr2-136567376-GA-G.
Other names: short protein forms F847fs.
Identifiers: ClinVar variation 2855669 (VCV002855669.3), dbSNP rs2467219547, ClinGen allele CA2739271210.
Genomic context (GRCh38, chr2:135,809,806, plus strand): 5'-GACTTTGGAGGGGAGGTTTACTGTATTAGGTGGTAGCAGTCTTTTTGCCCCCTTGGTGAG[GA>G]AACCGTTCTTTTCTATGATGCTAGTGAAAAAGTAGGCAGATTTCCTGGGAGTCCTTGACT-3'

ClinVar aggregate classification (germline): Pathogenic (1 of 4 stars; one submission).

Submission:

Labcorp Genetics (formerly Invitae), Labcorp
Classification: Pathogenic. Last evaluated: 2023-04-12. Review status: criteria provided, single submitter. Criteria: Invitae Variant Classification Sherloc (09022015). Collection method: clinical testing. Allele origin: germline.
Comment: For these reasons, this variant has been classified as Pathogenic. This variant has not been reported in the literature in individuals affected with LCT-related conditions. This variant is not present in population databases (gnomAD no frequency). This sequence change creates a premature translational stop signal (p.Phe847Serfs*15) in the LCT gene. It is expected to result in an absent or disrupted protein product. Loss-of-function variants in LCT are known to be pathogenic (PMID: 16400612, 25881162).

Literature cited by the submitters: PubMed 16400612; PubMed 25881162.